The following is an entry in ClinVar:

NM_000350.3(ABCA4):c.2029G>A (p.Glu677Lys)

Gene: ABCA4 (ATP binding cassette subfamily A member 4; minus strand). Cytogenetic location: 1p22.1.
Variant type: single nucleotide variant.
Coding change: c.2029G>A on transcript NM_000350.3 (MANE Select); coding-DNA position 2029, G replaced by A.
Protein change: p.Glu677Lys; replaces glutamic acid 677 with lysine.
Molecular consequence: missense variant.
Genome position (GRCh38, 1-based): chr1:94,060,668, C>T on the plus strand (G>A on the coding strand, the complement: ABCA4 is on the minus strand). VCF-style: chr1-94060668-C-T. GRCh37 (hg19) VCF-style: chr1-94526224-C-T.
Other names: c.2029G>A, p.Glu677Lys (NM_001425324.1); short protein forms E677K.
Identifiers: ClinVar variation 1487020 (VCV001487020.6), dbSNP rs2101075259, ClinGen allele CA341278700.
Genomic context (GRCh38, chr1:94,060,668, plus strand): 5'-AAATCACTGCATTGGAGACACCCTGATTTTTCAAGGTCTCCTTCAGTCGCAACTCCTTCT[C>T]CAAGACGATGCTCTTCACAGTCATGGAGACAGAGTAGATCCATGCCAGCACCATGAAGAT-3'
Protein context (NP_000341.2, residues 667-687): VSMTVKSIVL[Glu677Lys]KELRLKETLK

ClinVar aggregate classification (germline): Likely pathogenic (1 of 4 stars; one submission).

Submission:

Labcorp Genetics (formerly Invitae), Labcorp
Classification: Likely pathogenic. Last evaluated: 2021-10-13. Review status: criteria provided, single submitter. Criteria: Invitae Variant Classification Sherloc (09022015). Collection method: clinical testing. Allele origin: germline.
Comment: In summary, the currently available evidence indicates that the variant is pathogenic, but additional data are needed to prove that conclusively. Therefore, this variant has been classified as Likely Pathogenic. Advanced modeling of protein sequence and biophysical properties (such as structural, functional, and spatial information, amino acid conservation, physicochemical variation, residue mobility, and thermodynamic stability) performed at Invitae indicates that this missense variant is expected to disrupt ABCA4 protein function. This missense change has been observed in individual(s) with Stargardt disease (Invitae). This variant is not present in population databases (ExAC no frequency). This sequence change replaces glutamic acid with lysine at codon 677 of the ABCA4 protein (p.Glu677Lys). The glutamic acid residue is highly conserved and there is a small physicochemical difference between glutamic acid and lysine.